The following is an entry in ClinVar:

ClinVar aggregate classification (germline): Uncertain significance (1 of 4 stars; one submission).

Conditions:
Dyskeratosis congenita, autosomal dominant 2. Identifiers: MedGen C3151443, MONDO:0013521, OMIM 613989.
Idiopathic Pulmonary Fibrosis. Also called: Idiopathic fibrosing alveolitis, chronic form; idiopathic fibrosing alveolitis. Identifiers: Orphanet 2032, MedGen C1800706, MeSH D054990, MONDO:0800504.

Submission:

Labcorp Genetics (formerly Invitae), Labcorp
Classification: Uncertain significance for Dyskeratosis congenita, autosomal dominant 2; Idiopathic Pulmonary Fibrosis. Last evaluated: 2023-07-21. Review status: criteria provided, single submitter. Criteria: Invitae Variant Classification Sherloc (09022015). Collection method: clinical testing. Allele origin: germline.
Comment: Advanced modeling of protein sequence and biophysical properties (such as structural, functional, and spatial information, amino acid conservation, physicochemical variation, residue mobility, and thermodynamic stability) performed at Invitae indicates that this missense variant is expected to disrupt TERT protein function. In summary, the available evidence is currently insufficient to determine the role of this variant in disease. Therefore, it has been classified as a Variant of Uncertain Significance. This sequence change replaces arginine, which is basic and polar, with isoleucine, which is neutral and non-polar, at codon 277 of the TERT protein (p.Arg277Ile). This variant is present in population databases (no rsID available, gnomAD 0.001%). This variant has not been reported in the literature in individuals affected with TERT-related conditions.

NM_198253.3(TERT):c.830G>T (p.Arg277Ile)

Gene: TERT (telomerase reverse transcriptase; minus strand). Cytogenetic location: 5p15.33.
Variant type: single nucleotide variant.
Coding change: c.830G>T on transcript NM_198253.3 (MANE Select); coding-DNA position 830, G replaced by T.
Protein change: p.Arg277Ile; replaces arginine 277 with isoleucine.
Molecular consequence: missense variant. On other transcripts: non-coding transcript variant (2).
Genome position (GRCh38, 1-based): chr5:1,294,056, C>A on the plus strand (G>T on the coding strand, the complement: TERT is on the minus strand). VCF-style: chr5-1294056-C-A. GRCh37 (hg19) VCF-style: chr5-1294171-C-A.
Other names: c.830G>T, p.Arg277Ile (NM_001193376.3, NM_003219.1); short protein forms R277I.
Identifiers: ClinVar variation 2923855 (VCV002923855.3), dbSNP rs1369049105, ClinGen allele CA359056596.
Genomic context (GRCh38, chr5:1,294,056, plus strand): 5'-GGGTGGGAGTGGCGCGTGCCAGAGAGCGCACCCTCCAAAGAGGTGGCTTCTTCGGCGGGT[C>A]TGGCAGGTGACACCACACAGAAACCACGGTCACTCGGTCCACGCGTCCTGCCCGGGTGGG-3'
Protein context (NP_937983.2, residues 267-287): DRGFCVVSPA[Arg277Ile]PAEEATSLEG